The following is an entry in ClinVar:

ClinVar aggregate classification (germline): Pathogenic (3 of 4 stars; one submission).

Conditions:
Glanzmann thrombasthenia. Also called: THROMBASTHENIA OF GLANZMANN AND NAEGELI; BLEEDING DISORDER, PLATELET-TYPE, 2; Thrombasthenia; PLATELET GLYCOPROTEIN IIb-IIIa DEFICIENCY; Glanzmann's thrombasthenia. Identifiers: Orphanet 849, MedGen C0040015, MONDO:0100326.

Submission:

ClinGen Platelet Disorders Variant Curation Expert Panel, ClinGen
Classification: Pathogenic for Glanzmann thrombasthenia. Last evaluated: 2021-12-21. Review status: reviewed by expert panel. Criteria: ClinGen Platelet ACMG Specifications v2. Collection method: curation. Allele origin: germline. Inheritance: Autosomal recessive inheritance.
Comment: The NM_000419.5(ITGA2B):c.188+471_892-70delinsGCCACCCACAGTGCAATCCCACA indel begins in intron 1 where it removes the intron 1 splice acceptor site and deletes through most of intron 9. The expectation is that the intron 1 splice donor will use the next available acceptor site in intron 9 leading to the skipping of exons 2-9 with a frameshift in exon 10 that generates a premature stop codon resulting in NMD. However, patient cDNA indicated use of a cryptic splice acceptor in intron 1 such that exons 2-9 are still removed but there is also retention of portions of introns 1 and 9. The included portion of intron 1 includes an in-frame TAA termination code, 26 triplets downstream of exon 1, which would be expected to result in NMD (PVS1). GT type 1 patient K.W. of PMID: 1702098 is homozygous for this variant (PM2_supporting). This variant is absent from gnomAD SVs v2.1 (PM2_Supporting). In summary, this variant meets the criteria to be classified as Pathogenic for autosomal recessive Glanzmann Thrombasthenia based on the ACMG/AMP criteria applied, as specified by the ClinGen PD VCEP: PVS1, PM2_supporting, PM3_strong. (VCEP specifications version 2; date of approval 12/21/2021).

NM_000419.5(ITGA2B):c.188+471_892-70delinsGCCACCCACAGTGCAATCCCACA

Genes: ITGA2B (integrin subunit alpha 2b; minus strand), LOC130060983 (ATAC-STARR-seq lymphoblastoid active region 12261; plus strand). Cytogenetic location: 17q21.31.
Variant type: Indel.
Coding change: c.188+471_892-70delinsGCCACCCACAGTGCAATCCCACA on transcript NM_000419.5 (MANE Select); 471 bases into the intron after coding-DNA position 188 through 70 bases into the intron before coding-DNA position 892, the reference bases replaced by GCCACCCACAGTGCAATCCCACA.
Molecular consequence: splice acceptor variant, splice donor variant.
Genome position (GRCh38, 1-based): chr17:44,384,208-44,388,815, 4,608 bases replaced. GRCh37 (hg19): chr17:42,461,576-42,466,183.
Other names: NM_000419.5:c.188+471_892-70delinsGCCACCCACAGTGCAATCCCACA.
Identifiers: ClinVar variation 1330353 (VCV001330353.1), ClinGen allele CA2499306877.